The following is an entry in ClinVar:

NM_145038.5(DRC1):c.2134C>T (p.Gln712Ter)

Gene: DRC1 (dynein regulatory complex subunit 1; plus strand). Cytogenetic location: 2p23.3.
Variant type: single nucleotide variant.
Coding change: c.2134C>T on transcript NM_145038.5 (MANE Select); coding-DNA position 2134, C replaced by T.
Protein change: p.Gln712Ter; replaces glutamine 712 with a stop codon.
Molecular consequence: nonsense.
Genome position (GRCh38, 1-based): chr2:26,455,201, C>T. VCF-style: chr2-26455201-C-T. GRCh37 (hg19) VCF-style: chr2-26678069-C-T.
Other names: short protein forms Q712*.
Identifiers: ClinVar variation 1414990 (VCV001414990.4), dbSNP rs763706980, ClinGen allele CA1562527.

ClinVar aggregate classification (germline): Uncertain significance (1 of 4 stars; one submission).

Conditions:
Primary ciliary dyskinesia. Also called: Ciliary dyskinesia. Identifiers: Orphanet 244, MedGen C0008780, MONDO:0016575, HP:0012265.

Allele frequency attached by ClinVar (database versions not stated): gnomAD exomes below 0.00001; ExAC 0.00001; gnomAD 0.00001; TOPMed 0.00001.
gnomAD v4.1: 7 of 1,613,866 alleles (0.00043%); highest among the groups gnomAD compares: Admixed American, 0.012%; no homozygotes.

Submission:

Labcorp Genetics (formerly Invitae), Labcorp
Classification: Uncertain significance for Primary ciliary dyskinesia. Last evaluated: 2020-10-27. Review status: criteria provided, single submitter. Criteria: Invitae Variant Classification Sherloc (09022015). Collection method: clinical testing. Allele origin: germline.
Comment: In summary, the available evidence is currently insufficient to determine the role of this variant in disease. Therefore, it has been classified as a Variant of Uncertain Significance. This variant has not been reported in the literature in individuals with DRC1-related conditions. This variant is present in population databases (rs763706980, ExAC 0.009%). This sequence change creates a premature translational stop signal (p.Gln712*) in the DRC1 gene. While this is not anticipated to result in nonsense mediated decay, it is expected to disrupt the last 29 amino acid(s) of the DRC1 protein.